The following is an entry in ClinVar:

NM_001348800.3(ZBTB20):c.1852A>G (p.Lys618Glu)

Gene: ZBTB20 (zinc finger and BTB domain containing 20; minus strand). Cytogenetic location: 3q13.31.
Variant type: single nucleotide variant.
Coding change: c.1852A>G on transcript NM_001348800.3 (MANE Select); coding-DNA position 1852, A replaced by G.
Protein change: p.Lys618Glu; replaces lysine 618 with glutamic acid.
Molecular consequence: missense variant. On other transcripts: non-coding transcript variant (1).
Genome position (GRCh38, 1-based): chr3:114,339,379, T>C on the plus strand (A>G on the coding strand, the complement: ZBTB20 is on the minus strand). VCF-style: chr3-114339379-T-C. GRCh37 (hg19) VCF-style: chr3-114058226-T-C.
Other names: c.1633A>G, p.Lys545Glu (NM_001348801.3, NM_001348802.3, NM_001348804.3 and 9 more transcripts); c.1852A>G, p.Lys618Glu (NM_001348803.3, NM_001393393.1, NM_001393394.1 and 1 more transcripts); short protein forms K618E, K545E.
Identifiers: ClinVar variation 2023798 (VCV002023798.4), dbSNP rs2550438978, ClinGen allele CA354001533.

ClinVar aggregate classification (germline): Pathogenic (1 of 4 stars; one submission).

Submission:

Labcorp Genetics (formerly Invitae), Labcorp
Classification: Pathogenic. Last evaluated: 2022-10-13. Review status: criteria provided, single submitter. Criteria: Invitae Variant Classification Sherloc (09022015). Collection method: clinical testing. Allele origin: germline.
Comment: For these reasons, this variant has been classified as Pathogenic. Advanced modeling of protein sequence and biophysical properties (such as structural, functional, and spatial information, amino acid conservation, physicochemical variation, residue mobility, and thermodynamic stability) performed at Invitae indicates that this missense variant is expected to disrupt ZBTB20 protein function. This missense change has been observed in individual(s) with clinical features of Primrose syndrome (Invitae). In at least one individual the variant was observed to be de novo. This variant is not present in population databases (gnomAD no frequency). This sequence change replaces lysine, which is basic and polar, with glutamic acid, which is acidic and polar, at codon 618 of the ZBTB20 protein (p.Lys618Glu).